The following is an entry in ClinVar:

ClinVar aggregate classification (germline): Uncertain significance (1 of 4 stars; one submission).

Conditions:
Creatine transporter deficiency (CCDS1). Also called: CEREBRAL CREATINE DEFICIENCY SYNDROME 1; Mental retardation , X-linked with seizures, short stature and midface hypoplasia; Mental retardation , X-linked, with creatine transport deficiency; X-linked creatine transporter deficiency; X-linked creatine deficiency syndrome; SLC6A8-Related Creatine Transporter Deficiency. Identifiers: Orphanet 52503, MedGen C1845862, MONDO:0010305, OMIM 300352.

gnomAD v4.1: 1 of 1,210,351 alleles (0.000083%); highest among the groups gnomAD compares: Non-Finnish European, 0.00011%; no homozygotes.

Submission:

Labcorp Genetics (formerly Invitae), Labcorp
Classification: Uncertain significance for Creatine transporter deficiency. Last evaluated: 2024-10-22. Review status: criteria provided, single submitter. Criteria: Invitae Variant Classification Sherloc (09022015). Collection method: clinical testing. Allele origin: germline.
Comment: This sequence change replaces leucine, which is neutral and non-polar, with phenylalanine, which is neutral and non-polar, at codon 429 of the SLC6A8 protein (p.Leu429Phe). This variant is not present in population databases (gnomAD no frequency). This variant has not been reported in the literature in individuals affected with SLC6A8-related conditions. ClinVar contains an entry for this variant (Variation ID: 2161659). Invitae Evidence Modeling of protein sequence and biophysical properties (such as structural, functional, and spatial information, amino acid conservation, physicochemical variation, residue mobility, and thermodynamic stability) indicates that this missense variant is not expected to disrupt SLC6A8 protein function with a negative predictive value of 95%. In summary, the available evidence is currently insufficient to determine the role of this variant in disease. Therefore, it has been classified as a Variant of Uncertain Significance.

NM_005629.4(SLC6A8):c.1285C>T (p.Leu429Phe)

Gene: SLC6A8 (solute carrier family 6 member 8; plus strand). Cytogenetic location: Xq28.
Variant type: single nucleotide variant.
Coding change: c.1285C>T on transcript NM_005629.4 (MANE Select); coding-DNA position 1285, C replaced by T.
Protein change: p.Leu429Phe; replaces leucine 429 with phenylalanine.
Molecular consequence: missense variant.
Genome position (GRCh38, 1-based): chrX:153,694,160, C>T. VCF-style: chrX-153694160-C-T. GRCh37 (hg19) VCF-style: chrX-152959615-C-T.
Other names: c.1255C>T, p.Leu419Phe (NM_001142805.2); c.940C>T, p.Leu314Phe (NM_001142806.1); short protein forms L429F, L419F, L314F.
Identifiers: ClinVar variation 2161659 (VCV002161659.4), dbSNP rs782551106, ClinGen allele CA415086729.